The following is an entry in ClinVar:

NM_181789.4(GLDN):c.529del (p.Arg177fs)

Gene: GLDN (gliomedin; plus strand). Cytogenetic location: 15q21.2.
Variant type: Deletion.
Coding change: c.529del on transcript NM_181789.4 (MANE Select); coding-DNA position 529, one base deleted (A; older notation c.529delA).
Protein change: p.Arg177fs; shifts the reading frame from arginine 177.
Molecular consequence: frameshift variant.
Genome position (GRCh38, 1-based): chr15:51,383,880, A deleted; the last of 5 consecutive A bases (chr15:51,383,876-51,383,880); deleting any one gives the same sequence. VCF-style (leftmost placement, unchanged base first): chr15-51383875-GA-G. GRCh37 (hg19) VCF-style: chr15-51676072-GA-G.
Other names: c.157del, p.Arg53fs (NM_001330297.2); short protein forms R177fs, R53fs.
Identifiers: ClinVar variation 5019100 (VCV005019100.2).
Genomic context (GRCh38, chr15:51,383,875, plus strand): 5'-ACAACGGATTGGATGGACAGCCTGGTCCTCAGGGCCCAAAAGGAGAAAAAGGAGCAAATG[GA>G]AAAAGAGGAAAAATGGGTATTTTTGGCAACTCTTCTAATTAATTTCCCTGTTATTTATCT-3'

ClinVar aggregate classification (germline): Likely pathogenic (1 of 4 stars; one submission).

Conditions:
Lethal congenital contracture syndrome 11 (LCCS11). Identifiers: MedGen C4310670, MONDO:0014965, OMIM 617194.

Submission:

Juno Genomics, Hangzhou Juno Genomics, Inc
Classification: Likely pathogenic for Lethal congenital contracture syndrome 11. Review status: criteria provided, single submitter. Criteria: ACMG Guidelines, 2015. Collection method: clinical testing. Allele origin: germline.
Comment: Absent from controls (or at extremely low frequency if recessive) in Genome Aggregation Database.;Null variant in a gene where loss of function (LOF) is a known mechanism of disease.